The following is an entry in ClinVar:

NM_020919.4(ALS2):c.2560C>G (p.Leu854Val)

Gene: ALS2 (alsin Rho guanine nucleotide exchange factor ALS2; minus strand). Cytogenetic location: 2q33.1.
Variant type: single nucleotide variant.
Coding change: c.2560C>G on transcript NM_020919.4 (MANE Select); coding-DNA position 2560, C replaced by G.
Protein change: p.Leu854Val; replaces leucine 854 with valine.
Molecular consequence: missense variant.
Genome position (GRCh38, 1-based): chr2:201,733,296, G>C on the plus strand (C>G on the coding strand, the complement: ALS2 is on the minus strand). VCF-style: chr2-201733296-G-C. GRCh37 (hg19) VCF-style: chr2-202598019-G-C.
Other names: short protein forms L854V.
Identifiers: ClinVar variation 1496630 (VCV001496630.5), dbSNP rs1691685356, ClinGen allele CA350323984.
Genomic context (GRCh38, chr2:201,733,296, plus strand): 5'-GGCTTTCCAAATGTCCAAAGAGGTATACATGGGAGCTTACCACTTCAAAACAAGTAGCAA[G>C]CTTTAGCAAAACTTTTGCGTAATTATGAAGTCGTCTGATTGGCAAGAAAAACAAAGTATT-3'
Protein context (NP_065970.2, residues 844-864): LHNYAKVLLK[Leu854Val]ATCFEVASPE

ClinVar aggregate classification (germline): Uncertain significance. Review status: criteria provided, multiple submitters, no conflicts (2 of 4 stars). 2 submissions from 2 submitters: Uncertain significance (2). Last evaluated 2025-10-26.

Conditions:
Infantile-onset ascending hereditary spastic paralysis (IAHSP). Also called: Infantile-Onset Ascending Hereditary Spastic Paralysis (IAHSP); Autosomal Recessive Juvenile Amyotrophic Lateral Sclerosis. Identifiers: Orphanet 293168, MedGen C2931441, MONDO:0011797, OMIM 607225. Disease mechanism: loss of function.

Allele frequency attached by ClinVar (database versions not stated): gnomAD exomes 0.00001.
gnomAD v4.1: 8 of 1,613,800 alleles (0.0005%); highest among the groups gnomAD compares: Non-Finnish European, 0.00059%; no homozygotes.

Submissions (2):

Labcorp Genetics (formerly Invitae), Labcorp
Classification: Uncertain significance for Infantile-onset ascending hereditary spastic paralysis. Last evaluated: 2025-10-26. Review status: criteria provided, single submitter. Criteria: Invitae Variant Classification Sherloc (09022015). Collection method: clinical testing. Allele origin: germline.
Comment: This sequence change replaces leucine, which is neutral and non-polar, with valine, which is neutral and non-polar, at codon 854 of the ALS2 protein (p.Leu854Val). This variant is not present in population databases (gnomAD no frequency). This variant has not been reported in the literature in individuals affected with ALS2-related conditions. ClinVar contains an entry for this variant (Variation ID: 1496630). Invitae Evidence Modeling of protein sequence and biophysical properties (such as structural, functional, and spatial information, amino acid conservation, physicochemical variation, residue mobility, and thermodynamic stability) has been performed for this missense variant. However, the output from this modeling did not meet the statistical confidence thresholds required to predict the impact of this variant on ALS2 protein function. In summary, the available evidence is currently insufficient to determine the role of this variant in disease. Therefore, it has been classified as a Variant of Uncertain Significance.

Blueprint Genetics
Classification: Uncertain significance. Last evaluated: 2024-11-08. Review status: criteria provided, single submitter. Criteria: ACMG Guidelines, 2015. Collection method: clinical testing. Allele origin: germline.